The following is an entry in ClinVar:

NM_174916.3(UBR1):c.863G>A (p.Ser288Asn)

Gene: UBR1 (ubiquitin protein ligase E3 component n-recognin 1; minus strand). Cytogenetic location: 15q15.2.
Variant type: single nucleotide variant.
Coding change: c.863G>A on transcript NM_174916.3 (MANE Select); coding-DNA position 863, G replaced by A.
Protein change: p.Ser288Asn; replaces serine 288 with asparagine.
Molecular consequence: missense variant.
Genome position (GRCh38, 1-based): chr15:43,059,824, C>T on the plus strand (G>A on the coding strand, the complement: UBR1 is on the minus strand). VCF-style: chr15-43059824-C-T. GRCh37 (hg19) VCF-style: chr15-43352022-C-T.
Other names: short protein forms S288N.
Identifiers: ClinVar variation 1917625 (VCV001917625.2), dbSNP rs753342743, ClinGen allele CA7518881.

ClinVar aggregate classification (germline): Uncertain significance (1 of 4 stars; one submission).

Allele frequency attached by ClinVar (database versions not stated): gnomAD exomes 0.00001; ExAC 0.00002.
gnomAD v4.1: 10 of 1,613,956 alleles (0.00062%); highest among the groups gnomAD compares: Non-Finnish European, 0.00085%; no homozygotes.

Submission:

Labcorp Genetics (formerly Invitae), Labcorp
Classification: Uncertain significance. Last evaluated: 2022-03-18. Review status: criteria provided, single submitter. Criteria: Invitae Variant Classification Sherloc (09022015). Collection method: clinical testing. Allele origin: germline.
Comment: This sequence change replaces serine, which is neutral and polar, with asparagine, which is neutral and polar, at codon 288 of the UBR1 protein (p.Ser288Asn). This variant is present in population databases (rs753342743, gnomAD 0.004%). This variant has not been reported in the literature in individuals affected with UBR1-related conditions. Algorithms developed to predict the effect of missense changes on protein structure and function are either unavailable or do not agree on the potential impact of this missense change (SIFT: "Deleterious"; PolyPhen-2: "Benign"; Align-GVGD: "Class C0"). In summary, the available evidence is currently insufficient to determine the role of this variant in disease. Therefore, it has been classified as a Variant of Uncertain Significance.